The following is an entry in ClinVar:

NM_003801.4(GPAA1):c.1622+3A>G

Gene: GPAA1 (glycosylphosphatidylinositol anchor attachment 1; plus strand). Cytogenetic location: 8q24.3.
Variant type: single nucleotide variant.
Coding change: c.1622+3A>G on transcript NM_003801.4 (MANE Select); 3 bases into the intron after coding-DNA position 1622, A replaced by G.
Molecular consequence: intron variant.
Genome position (GRCh38, 1-based): chr8:144,085,746, A>G. VCF-style: chr8-144085746-A-G. GRCh37 (hg19) VCF-style: chr8-145140649-A-G.
Other names: c.1622+3A>G (NM_003801.3).
Identifiers: ClinVar variation 1600574 (VCV001600574.35), dbSNP rs146686863, ClinGen allele CA4933210.

ClinVar aggregate classification (germline): Conflicting classifications of pathogenicity. Review status: criteria provided, conflicting classifications (1 of 4 stars). 5 submissions from 5 submitters: Uncertain significance (3); Benign (1); Likely benign (1). Last evaluated 2026-01-28.

Conditions:
Glycosylphosphatidylinositol biosynthesis defect 15. Also called: DEVELOPMENTAL DELAY, EPILEPSY, CEREBELLAR ATROPHY, AND OSTEOPENIA. Identifiers: Orphanet 529665, MedGen C4540520, MONDO:0060627, OMIM 617810.
Inborn genetic diseases. Identifiers: MedGen C0950123, MeSH D030342.

Allele frequency attached by ClinVar (database versions not stated): gnomAD exomes 0.00014 and 0.00044; ExAC 0.00066; gnomAD 0.00186 and 0.00196; ESP Exome Variant Server 0.00198; TOPMed 0.00203; 1000 Genomes Project 30x 0.00219; 1000 Genomes Project 0.00240.

Submissions (5):

Labcorp Genetics (formerly Invitae), Labcorp
Classification: Benign. Last evaluated: 2026-01-28. Review status: criteria provided, single submitter. Criteria: Invitae Variant Classification Sherloc (09022015). Collection method: clinical testing. Allele origin: germline.

Ambry Genetics
Classification: Likely benign for Inborn genetic diseases. Last evaluated: 2025-04-25. Review status: criteria provided, single submitter. Criteria: Ambry Variant Classification Scheme 2023. Collection method: clinical testing. Allele origin: germline.

Blueprint Genetics
Classification: Uncertain significance. Last evaluated: 2024-08-20. Review status: criteria provided, single submitter. Criteria: ACMG Guidelines, 2015. Collection method: clinical testing. Allele origin: germline.

Revvity Omics, Revvity
Classification: Uncertain significance for Glycosylphosphatidylinositol biosynthesis defect 15. Last evaluated: 2023-02-04. Review status: criteria provided, single submitter. Criteria: ACMG Guidelines, 2015. Collection method: clinical testing. Allele origin: germline.

CeGaT Center for Human Genetics Tuebingen
Classification: Uncertain significance. Last evaluated: 2023-02-01. Review status: criteria provided, single submitter. Criteria: CeGaT Center For Human Genetics Tuebingen Variant Classification Criteria Version 2. Collection method: clinical testing. Allele origin: germline. Affected: yes. Observed: 1 variant allele.
Comment: GPAA1: PM2, BP4